The following is an entry in ClinVar:

NM_000498.3(CYP11B2):c.*532G>T

Genes: CYP11B2 (cytochrome P450 family 11 subfamily B member 2; minus strand), LOC106799834 (CYP11B2 recombination region; plus strand). Cytogenetic location: 8q24.3.
Variant type: single nucleotide variant.
Coding change: c.*532G>T on transcript NM_000498.3 (MANE Select); 532 bases downstream of the stop codon, G replaced by T.
Molecular consequence: 3 prime UTR variant.
Genome position (GRCh38, 1-based): chr8:142,911,448, C>A on the plus strand (G>T on the coding strand, the complement: CYP11B2 is on the minus strand). VCF-style: chr8-142911448-C-A. GRCh37 (hg19) VCF-style: chr8-143992864-C-A.
Identifiers: ClinVar variation 362184 (VCV000362184.6), dbSNP rs3802230, ClinGen allele CA10630441.
Genomic context (GRCh38, chr8:142,911,448, plus strand): 5'-AAAATGTGTCAGGATAAGTGACCACAGGGGCCTTTTTAGTCTACCCTGCAGGATCGTATT[C>A]CAGGGTGACAACTTTCAGAGAGCTCAGGGCATGCTCGAGCTGCCTGGGGTCAGGCTGCAG-3'

ClinVar aggregate classification (germline): Benign. Review status: criteria provided, multiple submitters, no conflicts (2 of 4 stars). 4 submissions from 2 submitters: Benign (4). Last evaluated 2018-01-13.

Conditions:
Corticosterone 18-monooxygenase deficiency. Also called: ALDOSTERONE DEFICIENCY DUE TO DEFECT IN STEROID 18-HYDROXYLASE; ALDOSTERONE DEFICIENCY I; CMO I DEFICIENCY; STEROID 18-HYDROXYLASE DEFICIENCY; 18 Hydroxylase deficiency; Aldosterone deficiency due to defect in 18 hydroxylase. Identifiers: Orphanet 427, MedGen C0268293, MONDO:0008751, OMIM 203400. Disease mechanism: loss of function.
Corticosterone methyloxidase type 2 deficiency. Also called: 18-OXIDASE DEFICIENCY; ALDOSTERONE DEFICIENCY DUE TO DEFICIENCY OF STEROID 18-OXIDASE; ALDOSTERONE DEFICIENCY II; CMO II DEFICIENCY; STEROID 18-OXIDASE DEFICIENCY. Identifiers: Orphanet 427, MedGen C3463917, MONDO:0012524, OMIM 610600. Disease mechanism: loss of function.
Glucocorticoid-remediable aldosteronism. Also called: Hyperaldosteronism, familial, type I; ACTH-DEPENDENT HYPERALDOSTERONISM SYNDROME; ALDOSTERONISM, SENSITIVE TO DEXAMETHASONE; FH I; GLUCOCORTICOID-SUPPRESSIBLE HYPERALDOSTERONISM. Identifiers: Orphanet 403, MedGen C3838731, MONDO:0007080, OMIM 103900.

Allele frequency attached by ClinVar (database versions not stated): gnomAD exomes 0.54800; 1000 Genomes Project 0.59585; 1000 Genomes Project 30x 0.60790; gnomAD 0.62319 and 0.63100; TOPMed 0.62861.
gnomAD v4.1: 104,246 of 169,460 alleles (62%); highest among the groups gnomAD compares: African/African-American, 83%; 33,690 homozygotes.

Submissions (4):

Illumina Laboratory Services, Illumina
Classification: Benign for Corticosterone 18-monooxygenase deficiency. Last evaluated: 2018-01-13. Review status: criteria provided, single submitter. Criteria: ICSL Variant Classification Criteria 13 December 2019. Collection method: clinical testing. Allele origin: germline.
Comment: This variant was observed in the ICSL laboratory as part of a predisposition screen in an ostensibly healthy population. It had not been previously curated by ICSL or reported in the Human Gene Mutation Database (HGMD: prior to June 1st, 2018), and was therefore a candidate for classification through an automated scoring system. Utilizing variant allele frequency, disease prevalence and penetrance estimates, and inheritance mode, an automated score was calculated to assess if this variant is too frequent to cause the disease. Based on the score and internal cut-off values, a variant classified as benign is not then subjected to further curation. The score for this variant resulted in a classification of benign for this disease.

Illumina Laboratory Services, Illumina
Classification: Benign for Hyperaldosteronism, familial, type I. Last evaluated: 2018-01-13. Review status: criteria provided, single submitter. Criteria: ICSL Variant Classification Criteria 13 December 2019. Collection method: clinical testing. Allele origin: germline.
Comment: the same text as in the submission from Illumina Laboratory Services, Illumina above.

Illumina Laboratory Services, Illumina
Classification: Benign for Corticosterone methyloxidase type 2 deficiency. Last evaluated: 2018-01-13. Review status: criteria provided, single submitter. Criteria: ICSL Variant Classification Criteria 13 December 2019. Collection method: clinical testing. Allele origin: germline.
Comment: the same text as in the submission from Illumina Laboratory Services, Illumina above.

Breakthrough Genomics
Classification: Benign. Review status: criteria provided, single submitter. Criteria: ACMG Guidelines, 2015. Collection method: not provided. Allele origin: germline. Inheritance: Autosomal recessive inheritance. Affected: yes.